The following is an entry in ClinVar:

ClinVar aggregate classification (germline): Uncertain significance (1 of 4 stars; one submission).

Submission:

GeneDx
Classification: Uncertain significance. Last evaluated: 2019-05-24. Review status: criteria provided, single submitter. Criteria: GeneDx Variant Classification Process June 2021. Collection method: clinical testing. Allele origin: germline. Affected: yes.
Comment: Not observed in large population cohorts (Lek et al., 2016); In silico analysis, which includes protein predictors and evolutionary conservation, supports that this variant does not alter protein structure/function; Has not been previously published as pathogenic or benign to our knowledge

NM_014629.4(ARHGEF10):c.728G>A (p.Ser243Asn)

Gene: ARHGEF10 (Rho guanine nucleotide exchange factor 10; plus strand). Cytogenetic location: 8p23.3.
Variant type: single nucleotide variant.
Coding change: c.728G>A on transcript NM_014629.4 (MANE Select); coding-DNA position 728, G replaced by A.
Protein change: p.Ser243Asn; replaces serine 243 with asparagine.
Molecular consequence: missense variant.
Genome position (GRCh38, 1-based): chr8:1,876,619, G>A. VCF-style: chr8-1876619-G-A. GRCh37 (hg19) VCF-style: chr8-1824785-G-A.
Other names: c.731G>A, p.Ser244Asn (NM_001308152.2, NM_001308153.3); short protein forms S243N, S244N, S268N.
Identifiers: ClinVar variation 1306051 (VCV001306051.2), dbSNP rs915718990, ClinGen allele CA369955182.